The following is an entry in ClinVar:

NM_001164508.2(NEB):c.10807T>C (p.Trp3603Arg)

Gene: NEB (nebulin; minus strand). Cytogenetic location: 2q23.3.
Variant type: single nucleotide variant.
Coding change: c.10807T>C on transcript NM_001164508.2 (MANE Select); coding-DNA position 10807, T replaced by C.
Protein change: p.Trp3603Arg; replaces tryptophan 3603 with arginine.
Molecular consequence: missense variant.
Genome position (GRCh38, 1-based): chr2:151,619,516, A>G on the plus strand (T>C on the coding strand, the complement: NEB is on the minus strand). VCF-style: chr2-151619516-A-G. GRCh37 (hg19) VCF-style: chr2-152476030-A-G.
Other names: c.10807T>C, p.Trp3603Arg (NM_001164507.2, NM_001271208.2); c.10078T>C, p.Trp3360Arg (NM_004543.5); short protein forms W3360R, W3603R.
Identifiers: ClinVar variation 1717740 (VCV001717740.3), dbSNP rs2552232735, ClinGen allele CA348787634.

ClinVar aggregate classification (germline): Uncertain significance (1 of 4 stars; one submission).

Conditions:
Nemaline myopathy 2 (NEM2). Also called: Nemaline myopathy 2, autosomal recessive. Identifiers: MedGen C1850569, MONDO:0009725, OMIM 256030.

Submission:

Labcorp Genetics (formerly Invitae), Labcorp
Classification: Uncertain significance for Nemaline myopathy 2. Last evaluated: 2022-08-22. Review status: criteria provided, single submitter. Criteria: Invitae Variant Classification Sherloc (09022015). Collection method: clinical testing. Allele origin: germline.
Comment: This sequence change replaces tryptophan, which is neutral and slightly polar, with arginine, which is basic and polar, at codon 3603 of the NEB protein (p.Trp3603Arg). This variant is not present in population databases (gnomAD no frequency). This variant has not been reported in the literature in individuals affected with NEB-related conditions. Algorithms developed to predict the effect of missense changes on protein structure and function are either unavailable or do not agree on the potential impact of this missense change (SIFT: "Deleterious"; PolyPhen-2: "Not Available"; Align-GVGD: "Class C0"). In summary, the available evidence is currently insufficient to determine the role of this variant in disease. Therefore, it has been classified as a Variant of Uncertain Significance.